The following is an entry in ClinVar:

NM_006904.7(PRKDC):c.8444G>C (p.Gly2815Ala)

Gene: PRKDC (protein kinase, DNA-activated, catalytic subunit; minus strand). Cytogenetic location: 8q11.21.
Variant type: single nucleotide variant.
Coding change: c.8444G>C on transcript NM_006904.7 (MANE Select); coding-DNA position 8444, G replaced by C.
Protein change: p.Gly2815Ala; replaces glycine 2815 with alanine.
Molecular consequence: missense variant.
Genome position (GRCh38, 1-based): chr8:47,828,301, C>G on the plus strand (G>C on the coding strand, the complement: PRKDC is on the minus strand). VCF-style: chr8-47828301-C-G. GRCh37 (hg19) VCF-style: chr8-48740862-C-G.
Other names: c.8444G>C, p.Gly2815Ala (NM_001081640.2); short protein forms G2815A.
Identifiers: ClinVar variation 1392640 (VCV001392640.6), dbSNP rs987446036, ClinGen allele CA176152147.

ClinVar aggregate classification (germline): Uncertain significance (1 of 4 stars; one submission).

Conditions:
Severe combined immunodeficiency due to DNA-PKcs deficiency. Also called: IMMUNODEFICIENCY 26 WITH NEUROLOGIC ABNORMALITIES; Immunodeficiency 26 with or without neurologic abnormalities. Identifiers: Orphanet 317425, MedGen C4014833, MONDO:0014423, OMIM 615966.

Allele frequency attached by ClinVar (database versions not stated): gnomAD exomes below 0.00001; gnomAD 0.00001.
gnomAD v4.1: 6 of 1,600,946 alleles (0.00037%); highest among the groups gnomAD compares: Non-Finnish European, 0.00051%; no homozygotes.

Submission:

Labcorp Genetics (formerly Invitae), Labcorp
Classification: Uncertain significance for Severe combined immunodeficiency due to DNA-PKcs deficiency. Last evaluated: 2024-10-29. Review status: criteria provided, single submitter. Criteria: Invitae Variant Classification Sherloc (09022015). Collection method: clinical testing. Allele origin: germline.
Comment: This sequence change replaces glycine with alanine at codon 2815 of the PRKDC protein (p.Gly2815Ala). The glycine residue is highly conserved and there is a small physicochemical difference between glycine and alanine. This variant is present in population databases (no rsID available, gnomAD 0.002%). This variant has not been reported in the literature in individuals affected with PRKDC-related conditions. ClinVar contains an entry for this variant (Variation ID: 1392640). Invitae Evidence Modeling of protein sequence and biophysical properties (such as structural, functional, and spatial information, amino acid conservation, physicochemical variation, residue mobility, and thermodynamic stability) indicates that this missense variant is not expected to disrupt PRKDC protein function with a negative predictive value of 80%. In summary, the available evidence is currently insufficient to determine the role of this variant in disease. Therefore, it has been classified as a Variant of Uncertain Significance.